The following is an entry in ClinVar:

NM_006648.4(WNK2):c.5122A>C (p.Met1708Leu)

Gene: WNK2 (WNK lysine deficient protein kinase 2; plus strand). Cytogenetic location: 9q22.31.
Variant type: single nucleotide variant.
Coding change: c.5122A>C on transcript NM_006648.4 (MANE Select); coding-DNA position 5122, A replaced by C.
Protein change: p.Met1708Leu; replaces methionine 1708 with leucine.
Molecular consequence: missense variant.
Genome position (GRCh38, 1-based): chr9:93,292,587, A>C. VCF-style: chr9-93292587-A-C. GRCh37 (hg19) VCF-style: chr9-96054869-A-C.
Other names: c.5233A>C, p.Met1745Leu (NM_001282394.3); short protein forms M1708L, M1745L.
Identifiers: ClinVar variation 4201574 (VCV004201574.1).
Genomic context (GRCh38, chr9:93,292,587, plus strand): 5'-CCCACAGACAGGGATGGTGGAGAAGCTGGAGAAAGCTCGGCAGAGCCCCCGCCGAGTGAC[A>C]TGGGCACAGTGGGGGGCCAGGCTAGCCACCCCCAGACACTCGGCGCTCGAGCTTTGGGGT-3'
Protein context (NP_006639.3, residues 1698-1718): ESSAEPPPSD[Met1708Leu]GTVGGQASHP

ClinVar aggregate classification (germline): Uncertain significance (1 of 4 stars; one submission).

Submission:

Ambry Genetics
Classification: Uncertain significance. Last evaluated: 2025-06-28. Review status: criteria provided, single submitter. Criteria: Ambry Variant Classification Scheme 2023. Collection method: clinical testing. Allele origin: germline.
Comment: The p.M1708L variant (also known as c.5122A>C), located in coding exon 22 of the WNK2 gene, results from an A to C substitution at nucleotide position 5122. The methionine at codon 1708 is replaced by leucine, an amino acid with highly similar properties. This amino acid position is conserved. In addition, this alteration is predicted to be tolerated by in silico analysis. Based on the available evidence, the clinical significance of this variant remains unclear.